The following is an entry in ClinVar:

NM_004727.3(SLC24A1):c.2171C>T (p.Thr724Met)

Gene: SLC24A1 (solute carrier family 24 member 1; plus strand). Cytogenetic location: 15q22.31.
Variant type: single nucleotide variant.
Coding change: c.2171C>T on transcript NM_004727.3 (MANE Select); coding-DNA position 2171, C replaced by T.
Protein change: p.Thr724Met; replaces threonine 724 with methionine.
Molecular consequence: missense variant.
Genome position (GRCh38, 1-based): chr15:65,645,642, C>T. VCF-style: chr15-65645642-C-T. GRCh37 (hg19) VCF-style: chr15-65937980-C-T.
Other names: c.152C>T, p.Thr51Met (NM_001254740.2); c.2171C>T, p.Thr724Met (NM_001301031.1); c.2117C>T, p.Thr706Met (NM_001301032.1, NM_001301033.2); short protein forms T724M, T51M, T706M.
Identifiers: ClinVar variation 316800 (VCV000316800.25), dbSNP rs191146484, ClinGen allele CA7620111.

ClinVar aggregate classification (germline): Benign/Likely benign. Review status: criteria provided, multiple submitters, no conflicts (2 of 4 stars). 5 submissions from 5 submitters: Benign (2); Likely benign (3). Last evaluated 2026-02-14.

Conditions:
SLC24A1-related disorder. Also called: SLC24A1-related condition.
Congenital stationary night blindness 1D. Also called: Night blindness, congenital stationary (complete), 1D, autosomal recessive. Identifiers: Orphanet 215, MedGen C3151193, MONDO:0013450, OMIM 613830.

Allele frequency attached by ClinVar (database versions not stated): TOPMed 0.00039; ESP Exome Variant Server 0.00041; 1000 Genomes Project 30x 0.00047; 1000 Genomes Project 0.00060; gnomAD exomes 0.00099 and 0.00152; gnomAD 0.00121 and 0.00125; ExAC 0.00286.
gnomAD v4.1: 1,621 of 1,577,496 alleles (0.1%); highest among the groups gnomAD compares: Non-Finnish European, 0.071%; 3 homozygotes.

Submissions (5):

PreventionGenetics, part of Exact Sciences
Classification: Benign for SLC24A1-related condition. Last evaluated: 2026-02-14. Review status: criteria provided, single submitter. Criteria: ACMG Guidelines, 2015. Collection method: clinical testing. Allele origin: germline.
Comment: This variant is classified as benign based on ACMG/AMP sequence variant interpretation guidelines (Richards et al. 2015 PMID: 25741868, with internal and published modifications).

Labcorp Genetics (formerly Invitae), Labcorp
Classification: Benign. Last evaluated: 2026-01-17. Review status: criteria provided, single submitter. Criteria: Invitae Variant Classification Sherloc (09022015). Collection method: clinical testing. Allele origin: germline.

CeGaT Center for Human Genetics Tuebingen
Classification: Likely benign. Last evaluated: 2025-03-01. Review status: criteria provided, single submitter. Criteria: CeGaT Center For Human Genetics Tuebingen Variant Classification Criteria Version 2. Collection method: clinical testing. Allele origin: germline. Affected: yes. Observed: 1 variant allele.
Comment: SLC24A1: BP4

Blueprint Genetics
Classification: Likely benign. Last evaluated: 2024-11-21. Review status: criteria provided, single submitter. Criteria: ACMG Guidelines, 2015. Collection method: clinical testing. Allele origin: germline.

Illumina Laboratory Services, Illumina
Classification: Likely benign for Congenital stationary night blindness 1D. Last evaluated: 2018-01-12. Review status: criteria provided, single submitter. Criteria: ICSL Variant Classification Criteria 13 December 2019. Collection method: clinical testing. Allele origin: germline.
Comment: This variant was observed in the ICSL laboratory as part of a predisposition screen in an ostensibly healthy population. It had not been previously curated by ICSL or reported in the Human Gene Mutation Database (HGMD: prior to June 1st, 2018), and was therefore a candidate for classification through an automated scoring system. Utilizing variant allele frequency, disease prevalence and penetrance estimates, and inheritance mode, an automated score was calculated to assess if this variant is too frequent to cause the disease. Based on the score and internal cut-off values, a variant classified as likely benign is not then subjected to further curation. The score for this variant resulted in a classification of likely benign for this disease.